The following is an entry in ClinVar:

NM_000051.4(ATM):c.5866_5870del (p.Leu1956fs)

Genes: ATM (ATM serine/threonine kinase; plus strand), C11orf65 (chromosome 11 open reading frame 65; minus strand). Cytogenetic location: 11q22.3.
Variant type: Deletion.
Coding change: c.5866_5870del on transcript NM_000051.4 (MANE Select); coding-DNA positions 5866 to 5870, 5 bases deleted (CTCTA; older notation c.5866_5870delCTCTA).
Protein change: p.Leu1956fs; shifts the reading frame from leucine 1956.
Molecular consequence: frameshift variant. On other transcripts: intron variant (2).
Genome position (GRCh38, 1-based): chr11:108,310,263-108,310,267, CTCTA deleted; deleting any 5 consecutive bases within chr11:108,310,261-108,310,267 gives the same sequence; the c. name uses the placement nearest the transcript's 3' end. VCF-style (leftmost placement, unchanged base first): chr11-108310260-TTACTC-T. GRCh37 (hg19) VCF-style: chr11-108180987-TTACTC-T.
Other names: c.5866_5870delCTCTA, p.Leu1956Cysfs (NM_000051.3); c.5866_5870del, p.Leu1956fs (NM_001351834.2); c.641-1194_641-1190del (NM_001330368.2); c.*39-1194_*39-1190del (NM_001351110.2); short protein forms L1956fs.
Identifiers: ClinVar variation 2453934 (VCV002453934.5), dbSNP rs2547029192, ClinGen allele CA2580083467.

ClinVar aggregate classification (germline): Pathogenic/Likely pathogenic. Review status: criteria provided, multiple submitters, no conflicts (2 of 4 stars). 3 submissions from 3 submitters: Pathogenic (2); Likely pathogenic (1). Last evaluated 2025-03-03.

Conditions:
Hereditary cancer-predisposing syndrome. Also called: Tumor predisposition; Hereditary Cancer Syndrome; Hereditary neoplastic syndrome; Neoplastic Syndromes, Hereditary. Identifiers: Orphanet 140162, MedGen C0027672, MeSH D009386, MONDO:0015356.
Breast and/or ovarian cancer. Identifiers: MedGen CN221562.
Ataxia-telangiectasia syndrome (AT). Also called: Ataxia-telangiectasia, complementation group E; Ataxia telangiectasia (A-T); LOUIS-BAR SYNDROME; Cerebello-oculocutaneous telangiectasia; Immunodeficiency with ataxia telangiectasia; Ataxia-telangiectasia, complementation group D. Identifiers: Orphanet 100, MedGen C0004135, MONDO:0008840, OMIM 208900.

Submissions (3):

Labcorp Genetics (formerly Invitae), Labcorp
Classification: Pathogenic for Ataxia-telangiectasia syndrome. Last evaluated: 2025-03-03. Review status: criteria provided, single submitter. Criteria: Invitae Variant Classification Sherloc (09022015). Collection method: clinical testing. Allele origin: germline.
Comment: This sequence change creates a premature translational stop signal (p.Leu1956Cysfs*7) in the ATM gene. It is expected to result in an absent or disrupted protein product. Loss-of-function variants in ATM are known to be pathogenic (PMID: 23807571, 25614872). This variant is not present in population databases (gnomAD no frequency). This variant has not been reported in the literature in individuals affected with ATM-related conditions. ClinVar contains an entry for this variant (Variation ID: 2453934). For these reasons, this variant has been classified as Pathogenic.

CHEO Genetics Diagnostic Laboratory, Children's Hospital of Eastern Ontario
Classification: Likely pathogenic for Breast and/or ovarian cancer. Last evaluated: 2023-04-05. Review status: criteria provided, single submitter. Criteria: ACMG Guidelines, 2015. Collection method: clinical testing. Allele origin: germline.

Ambry Genetics
Classification: Pathogenic for Hereditary cancer-predisposing syndrome. Last evaluated: 2022-12-07. Review status: criteria provided, single submitter. Criteria: Ambry Variant Classification Scheme 2023. Collection method: clinical testing. Allele origin: germline.
Comment: The c.5866_5870delCTCTA pathogenic mutation, located in coding exon 38 of the ATM gene, results from a deletion of 5 nucleotides at nucleotide positions 5866 to 5870, causing a translational frameshift with a predicted alternate stop codon (p.L1956Cfs*7). This variant is considered to be rare based on population cohorts in the Genome Aggregation Database (gnomAD). This alteration is expected to result in loss of function by premature protein truncation or nonsense-mediated mRNA decay. As such, this alteration is interpreted as a disease-causing mutation.

Literature cited by the submitters: PubMed 23807571 (cited by Labcorp Genetics (formerly Invitae), Labcorp); PubMed 25614872 (cited by Labcorp Genetics (formerly Invitae), Labcorp).